The following is an entry in ClinVar:

NM_032242.4(PLXNA1):c.675G>A (p.Val225=)

Gene: PLXNA1 (plexin A1; plus strand). Cytogenetic location: 3q21.3.
Variant type: single nucleotide variant.
Coding change: c.675G>A on transcript NM_032242.4 (MANE Select); coding-DNA position 675, G replaced by A.
Protein change: p.Val225=; no amino-acid change (valine 225 retained).
Molecular consequence: synonymous variant.
Genome position (GRCh38, 1-based): chr3:126,989,268, G>A. VCF-style: chr3-126989268-G-A. GRCh37 (hg19) VCF-style: chr3-126708111-G-A.
Identifiers: ClinVar variation 4982289 (VCV004982289.1).

ClinVar aggregate classification (germline): Likely benign (1 of 4 stars; one submission).

Conditions:
PLXNA1-related disorder. Also called: PLXNA1-related condition.

gnomAD v4.1: 18 of 1,613,590 alleles (0.0011%); highest among the groups gnomAD compares: Non-Finnish European, 0.0015%; no homozygotes.

Submission:

PreventionGenetics, part of Exact Sciences
Classification: Likely benign for PLXNA1-related condition. Last evaluated: 2025-05-12. Review status: criteria provided, single submitter. Criteria: ACMG Guidelines, 2015. Collection method: clinical testing. Allele origin: germline.
Comment: This variant is classified as likely benign based on ACMG/AMP sequence variant interpretation guidelines (Richards et al. 2015 PMID: 25741868, with internal and published modifications).